The following is an entry in ClinVar:

NM_017999.5(RNF31):c.352G>A (p.Val118Met)

Gene: RNF31 (ring finger protein 31; plus strand). Cytogenetic location: 14q12.
Variant type: single nucleotide variant.
Coding change: c.352G>A on transcript NM_017999.5 (MANE Select); coding-DNA position 352, G replaced by A.
Protein change: p.Val118Met; replaces valine 118 with methionine.
Molecular consequence: missense variant. On other transcripts: 5 prime UTR variant (1).
Genome position (GRCh38, 1-based): chr14:24,148,270, G>A. VCF-style: chr14-24148270-G-A. GRCh37 (hg19) VCF-style: chr14-24617479-G-A.
Other names: c.-166G>A (NM_001310332.2); short protein forms V118M.
Identifiers: ClinVar variation 3002581 (VCV003002581.3), dbSNP rs1483074179, ClinGen allele CA389286501.

ClinVar aggregate classification (germline): Uncertain significance (1 of 4 stars; one submission).

Allele frequency attached by ClinVar (database versions not stated): gnomAD exomes 0.00001; TOPMed 0.00001.

Submission:

Labcorp Genetics (formerly Invitae), Labcorp
Classification: Uncertain significance. Last evaluated: 2024-02-25. Review status: criteria provided, single submitter. Criteria: Invitae Variant Classification Sherloc (09022015). Collection method: clinical testing. Allele origin: germline.
Comment: This sequence change replaces valine, which is neutral and non-polar, with methionine, which is neutral and non-polar, at codon 118 of the RNF31 protein (p.Val118Met). This variant is present in population databases (no rsID available, gnomAD 0.0009%). This variant has not been reported in the literature in individuals affected with RNF31-related conditions. An algorithm developed to predict the effect of missense changes on protein structure and function (PolyPhen-2) suggests that this variant is likely to be disruptive. In summary, the available evidence is currently insufficient to determine the role of this variant in disease. Therefore, it has been classified as a Variant of Uncertain Significance.